The following is an entry in ClinVar:

ClinVar aggregate classification (germline): Likely benign (1 of 4 stars; one submission).

Conditions:
BBS10-related disorder. Also called: BBS10-related condition.

Submission:

PreventionGenetics, part of Exact Sciences
Classification: Likely benign for BBS10-related condition. Last evaluated: 2025-06-19. Review status: criteria provided, single submitter. Criteria: ACMG Guidelines, 2015. Collection method: clinical testing. Allele origin: germline.
Comment: This variant is classified as likely benign based on ACMG/AMP sequence variant interpretation guidelines (Richards et al. 2015 PMID: 25741868, with internal and published modifications).

NM_024685.4(BBS10):c.1272A>G (p.Leu424=)

Gene: BBS10 (Bardet-Biedl syndrome 10; minus strand). Cytogenetic location: 12q21.2.
Variant type: single nucleotide variant.
Coding change: c.1272A>G on transcript NM_024685.4 (MANE Select); coding-DNA position 1272, A replaced by G.
Protein change: p.Leu424=; no amino-acid change (leucine 424 retained).
Molecular consequence: synonymous variant.
Genome position (GRCh38, 1-based): chr12:76,346,713, T>C on the plus strand (A>G on the coding strand, the complement: BBS10 is on the minus strand). VCF-style: chr12-76346713-T-C. GRCh37 (hg19) VCF-style: chr12-76740493-T-C.
Identifiers: ClinVar variation 4998866 (VCV004998866.1).